The following is an entry in ClinVar:

ClinVar aggregate classification (germline): Uncertain significance (1 of 4 stars; one submission).

Allele frequency attached by ClinVar (database versions not stated): TOPMed 0.00001; ExAC 0.00002; gnomAD exomes 0.00002 and 0.00006.
gnomAD v4.1: 80 of 1,610,322 alleles (0.005%); highest among the groups gnomAD compares: Non-Finnish European, 0.0066%; no homozygotes.

Submission:

Labcorp Genetics (formerly Invitae), Labcorp
Classification: Uncertain significance. Last evaluated: 2021-09-10. Review status: criteria provided, single submitter. Criteria: Invitae Variant Classification Sherloc (09022015). Collection method: clinical testing. Allele origin: germline.
Comment: This sequence change replaces glycine with serine at codon 1561 of the LTBP4 protein (p.Gly1561Ser). The glycine residue is highly conserved and there is a small physicochemical difference between glycine and serine. This variant is present in population databases (rs776904807, ExAC 0.003%). This variant has not been reported in the literature in individuals affected with LTBP4-related conditions. Experimental studies and prediction algorithms are not available or were not evaluated, and the functional significance of this variant is currently unknown. In summary, the available evidence is currently insufficient to determine the role of this variant in disease. Therefore, it has been classified as a Variant of Uncertain Significance.

NM_001042545.2(LTBP4):c.4591G>A (p.Gly1531Ser)

Gene: LTBP4 (latent transforming growth factor beta binding protein 4; plus strand). Cytogenetic location: 19q13.2.
Variant type: single nucleotide variant.
Coding change: c.4591G>A on transcript NM_001042545.2 (MANE Select); coding-DNA position 4591, G replaced by A.
Protein change: p.Gly1531Ser; replaces glycine 1531 with serine.
Molecular consequence: missense variant.
Genome position (GRCh38, 1-based): chr19:40,629,467, G>A. VCF-style: chr19-40629467-G-A. GRCh37 (hg19) VCF-style: chr19-41135372-G-A.
Other names: c.4792G>A, p.Gly1598Ser (NM_001042544.1); c.4681G>A, p.Gly1561Ser (NM_003573.2); short protein forms G1561S, G1531S, G1598S.
Identifiers: ClinVar variation 1449344 (VCV001449344.5), dbSNP rs776904807, ClinGen allele CA9449386.